The following is an entry in ClinVar:

ClinVar aggregate classification (germline): Uncertain significance. Review status: criteria provided, multiple submitters, no conflicts (2 of 4 stars). 2 submissions from 2 submitters: Uncertain significance (2). Last evaluated 2025-05-31.

Conditions:
Cardiac arrhythmia. Also called: Cardiac rhythm disease; Arrhythmia. Identifiers: MedGen C0003811, MONDO:0007263, HP:0011675.
Long QT syndrome (LQTS). Identifiers: MedGen C0023976, MeSH D008133, MONDO:0002442. Disease mechanism: loss of function. Inheritance: Various modes of inheritance.

Allele frequency attached by ClinVar (database versions not stated): gnomAD exomes below 0.00001.
gnomAD v4.1: 2 of 1,614,242 alleles (0.00012%); highest among the groups gnomAD compares: Non-Finnish European, 0.00017%; no homozygotes.

Submissions (2):

Color Diagnostics, LLC DBA Color Health
Classification: Uncertain significance for Cardiac arrhythmia. Last evaluated: 2025-05-31. Review status: criteria provided, single submitter. Criteria: ACMG Guidelines, 2015. Collection method: clinical testing. Allele origin: germline.
Comment: This missense variant replaces methionine with valine at codon 579 of the KCNH2 protein. Computational prediction suggests that this variant may not impact protein structure and function. To our knowledge, functional studies have not been reported for this variant. This variant has not been reported in individuals affected with KCNH2-related disorders in the literature. This variant has been identified in 1/251386 chromosomes in the general population by the Genome Aggregation Database (gnomAD). The available evidence is insufficient to determine the role of this variant in disease conclusively. Therefore, this variant is classified as a Variant of Uncertain Significance.

Labcorp Genetics (formerly Invitae), Labcorp
Classification: Uncertain significance for Long QT syndrome. Last evaluated: 2023-12-18. Review status: criteria provided, single submitter. Criteria: Invitae Variant Classification Sherloc (09022015). Collection method: clinical testing. Allele origin: germline.
Comment: This sequence change replaces methionine, which is neutral and non-polar, with valine, which is neutral and non-polar, at codon 579 of the KCNH2 protein (p.Met579Val). This variant is present in population databases (no rsID available, gnomAD 0.0009%). This variant has not been reported in the literature in individuals affected with KCNH2-related conditions. Algorithms developed to predict the effect of missense changes on protein structure and function output the following: SIFT: "Not Available"; PolyPhen-2: "Benign"; Align-GVGD: "Not Available". The valine amino acid residue is found in multiple mammalian species, which suggests that this missense change does not adversely affect protein function. In summary, the available evidence is currently insufficient to determine the role of this variant in disease. Therefore, it has been classified as a Variant of Uncertain Significance.

NM_000238.4(KCNH2):c.1735A>G (p.Met579Val)

Gene: KCNH2 (potassium voltage-gated channel subfamily H member 2; minus strand). Cytogenetic location: 7q36.1.
Variant type: single nucleotide variant.
Coding change: c.1735A>G on transcript NM_000238.4 (MANE Select); coding-DNA position 1735, A replaced by G.
Protein change: p.Met579Val; replaces methionine 579 with valine.
Molecular consequence: missense variant. On other transcripts: non-coding transcript variant (2).
Genome position (GRCh38, 1-based): chr7:150,951,658, T>C on the plus strand (A>G on the coding strand, the complement: KCNH2 is on the minus strand). VCF-style: chr7-150951658-T-C. GRCh37 (hg19) VCF-style: chr7-150648746-T-C.
Other names: c.715A>G, p.Met239Val (NM_001204798.2, NM_172057.3); c.1447A>G, p.Met483Val (NM_001406753.1, NM_001406756.1); c.1558A>G, p.Met520Val (NM_001406755.1); c.1435A>G, p.Met479Val (NM_001406757.1); c.1735A>G, p.Met579Val (NM_172056.3); short protein forms M483V, M239V, M479V, M520V, M579V.
Identifiers: ClinVar variation 2721908 (VCV002721908.4), dbSNP rs1240351607, ClinGen allele CA369858164.